The following is an entry in ClinVar:

ClinVar aggregate classification (germline): Uncertain significance (1 of 4 stars; one submission).

gnomAD v4.1: 2 of 1,612,986 alleles (0.00012%); highest among the groups gnomAD compares: African/African-American, 0.0013%; no homozygotes.

Submission:

Labcorp Genetics (formerly Invitae), Labcorp
Classification: Uncertain significance. Last evaluated: 2025-11-23. Review status: criteria provided, single submitter. Criteria: Invitae Variant Classification Sherloc (09022015). Collection method: clinical testing. Allele origin: germline.
Comment: This sequence change replaces proline, which is neutral and non-polar, with leucine, which is neutral and non-polar, at codon 562 of the ARHGEF1 protein (p.Pro562Leu). This variant is not present in population databases (gnomAD no frequency). This variant has not been reported in the literature in individuals affected with ARHGEF1-related conditions. An algorithm developed to predict the effect of missense changes on protein structure and function (PolyPhen-2) suggests that this variant is likely to be disruptive. In summary, the available evidence is currently insufficient to determine the role of this variant in disease. Therefore, it has been classified as a Variant of Uncertain Significance.

NM_004706.4(ARHGEF1):c.1640C>T (p.Pro547Leu)

Gene: ARHGEF1 (Rho guanine nucleotide exchange factor 1; plus strand). Cytogenetic location: 19q13.2.
Variant type: single nucleotide variant.
Coding change: c.1640C>T on transcript NM_004706.4 (MANE Select); coding-DNA position 1640, C replaced by T.
Protein change: p.Pro547Leu; replaces proline 547 with leucine.
Molecular consequence: missense variant. On other transcripts: non-coding transcript variant (2).
Genome position (GRCh38, 1-based): chr19:41,902,800, C>T. VCF-style: chr19-41902800-C-T. GRCh37 (hg19) VCF-style: chr19-42406950-C-T.
Other names: c.1808C>T, p.Pro603Leu (NM_001396000.1); c.1541C>T, p.Pro514Leu (NM_001396002.1, NM_001396004.1, NM_198977.2); c.1640C>T, p.Pro547Leu (NM_001396003.1, NM_001396006.1); c.1685C>T, p.Pro562Leu (NM_199002.2); short protein forms P562L, P603L, P514L, P547L.
Identifiers: ClinVar variation 4759745 (VCV004759745.1).
Genomic context (GRCh38, chr19:41,902,800, plus strand): 5'-AGCCCAAAGCCTGGGCCATCGCAACACCAGCATGTTTCCCGCAGGAAGCTGAGAGCCGCC[C>T]GCGGTGCCGCCGCCTGCAGCTGAAGGACATGATCCCCACGGAGATGCAGCGGCTGACCAA-3'
Protein context (NP_004697.2, residues 537-557): CAFVQEAESR[Pro547Leu]RCRRLQLKDM